The following is an entry in ClinVar:

ClinVar aggregate classification (germline): Benign/Likely benign. Review status: criteria provided, multiple submitters, no conflicts (2 of 4 stars). 2 submissions from 2 submitters: Benign (1); Likely benign (1). Last evaluated 2025-01-23.

Conditions:
Lynch syndrome 4 (LYNCH4). Also called: Colorectal cancer, hereditary nonpolyposis, type 4; Hereditary non-polyposis colorectal cancer, type 4. Identifiers: Orphanet 144, MedGen C1838333, MONDO:0013699, OMIM 614337. Disease mechanism: loss of function.
Hereditary nonpolyposis colorectal neoplasms. Identifiers: MedGen C0009405, MeSH D003123.

Submissions (2):

Myriad Genetics, Inc.
Classification: Benign for Lynch syndrome 4. Last evaluated: 2025-01-23. Review status: criteria provided, single submitter. Criteria: Myriad Autosomal Dominant, Autosomal Recessive and X-Linked Classification Criteria (2023). Collection method: clinical testing. Allele origin: unknown.
Comment: This variant is considered benign. This variant is a silent/synonymous amino acid change and it is not expected to impact splicing.

Labcorp Genetics (formerly Invitae), Labcorp
Classification: Likely benign for Hereditary nonpolyposis colorectal neoplasms. Last evaluated: 2020-02-05. Review status: criteria provided, single submitter. Criteria: Invitae Variant Classification Sherloc (09022015). Collection method: clinical testing. Allele origin: germline.

NM_000535.7(PMS2):c.45C>T (p.Ile15=)

Gene: PMS2 (PMS1 homolog 2, mismatch repair system component; minus strand). Cytogenetic location: 7p22.1.
Variant type: single nucleotide variant.
Coding change: c.45C>T on transcript NM_000535.7 (MANE Select); coding-DNA position 45, C replaced by T.
Protein change: p.Ile15=; no amino-acid change (isoleucine 15 retained).
Molecular consequence: synonymous variant. On other transcripts: 5 prime UTR variant (8), non-coding transcript variant (1), intron variant (3).
Genome position (GRCh38, 1-based): chr7:6,006,010, G>A on the plus strand (C>T on the coding strand, the complement: PMS2 is on the minus strand). VCF-style: chr7-6006010-G-A. GRCh37 (hg19) VCF-style: chr7-6045641-G-A.
Other names: c.-361C>T (NM_001322003.2, NM_001322005.2, NM_001322009.2 and 1 more transcripts); c.45C>T, p.Ile15= (NM_001322006.2, NM_001322014.2); c.-171C>T (NM_001322007.2); c.-840C>T (NM_001322011.2, NM_001322012.2); c.-440C>T (NM_001322015.2); c.-52-1952C>T (NM_001322008.2); c.-242-1952C>T (NM_001322010.2, NM_001322004.2).
Identifiers: ClinVar variation 1088946 (VCV001088946.10), dbSNP rs876660499, ClinGen allele CA453650349.